The following is an entry in ClinVar:

ClinVar aggregate classification (germline): Benign (1 of 4 stars; one submission).

Conditions:
Hereditary coproporphyria (HCP). Also called: Hereditary coproporphyria porphyria; Porphyria hepatica coproporphyria; Porphyria hepatica II; CPRO deficiency; COPROPORPHYRINOGEN OXIDASE DEFICIENCY; CPO DEFICIENCY. Identifiers: Orphanet 79273, MedGen C0162531, MONDO:0007369, OMIM 121300.

Allele frequency attached by ClinVar (database versions not stated): 1000 Genomes Project 30x 0.00250; TOPMed 0.00277; 1000 Genomes Project 0.00280; gnomAD 0.00442.
gnomAD v4.1: 565 of 920,612 alleles (0.061%); highest among the groups gnomAD compares: African/African-American, 1.5%; no homozygotes.

Submission:

Illumina Laboratory Services, Illumina
Classification: Benign for Hereditary coproporphyria. Last evaluated: 2018-01-13. Review status: criteria provided, single submitter. Criteria: ICSL Variant Classification Criteria 13 December 2019. Collection method: clinical testing. Allele origin: germline.
Comment: This variant was observed in the ICSL laboratory as part of a predisposition screen in an ostensibly healthy population. It had not been previously curated by ICSL or reported in the Human Gene Mutation Database (HGMD: prior to June 1st, 2018), and was therefore a candidate for classification through an automated scoring system. Utilizing variant allele frequency, disease prevalence and penetrance estimates, and inheritance mode, an automated score was calculated to assess if this variant is too frequent to cause the disease. Based on the score and internal cut-off values, a variant classified as benign is not then subjected to further curation. The score for this variant resulted in a classification of benign for this disease.

NM_000097.7(CPOX):c.*595C>A

Gene: CPOX (coproporphyrinogen oxidase; minus strand). Cytogenetic location: 3q11.2.
Variant type: single nucleotide variant.
Coding change: c.*595C>A on transcript NM_000097.7 (MANE Select); 595 bases downstream of the stop codon, C replaced by A.
Molecular consequence: 3 prime UTR variant.
Genome position (GRCh38, 1-based): chr3:98,580,088, G>T on the plus strand (C>A on the coding strand, the complement: CPOX is on the minus strand). VCF-style: chr3-98580088-G-T. GRCh37 (hg19) VCF-style: chr3-98298932-G-T.
Identifiers: ClinVar variation 903461 (VCV000903461.4), dbSNP rs183311654, ClinGen allele CA80082465.
Genomic context (GRCh38, chr3:98,580,088, plus strand): 5'-CATCTCTAAAATAATAGTAATGTCACTTTAGAGTTTACAAACTACAGAAATAACTGAATT[G>T]TAACACATGCAGAGATTATTTCAAGTGCTTCTAAATACCTATTAGAAAAATGTGTATCTA-3'